The following is an entry in ClinVar:

ClinVar aggregate classification (germline): Uncertain significance (1 of 4 stars; one submission).

Conditions:
Lethal Kniest-like syndrome (DDSH). Also called: Dyssegmental Dysplasia. Identifiers: Orphanet 1865, MedGen C1857100, MONDO:0009140, OMIM 224410.

gnomAD v4.1: 3 of 1,549,450 alleles (0.00019%); highest among the groups gnomAD compares: Non-Finnish European, 0.000087%; no homozygotes.

Submission:

Broad Center for Mendelian Genomics, Broad Institute of MIT and Harvard
Classification: Uncertain significance for Lethal Kniest-like syndrome. Last evaluated: 2024-11-27. Review status: criteria provided, single submitter. Criteria: ACMG Guidelines, 2015. Collection method: curation. Allele origin: germline. Inheritance: Autosomal recessive inheritance. Study: GREGoR Consortium.
Comment: The phase of these variants are unknown at this time. The p.Leu4376Val variant in HSPG2 has not been previously reported in the literature in individuals with Silverman-Handmaker type dyssegmental dysplasia, and has been identified in 0.004% (2/49722) of European (Finnish) chromosomes by the Genome Aggregation Database (gnomAD). Although this variant has been seen in the general population in a heterozygous state, its frequency is low enough to be consistent with a recessive carrier frequency. Computational prediction tools, including splice predictors, and conservation analyses suggest that this variant may not impact the protein, though this information is not predictive enough to rule out pathogenicity. The number of missense variants reported in HSPG2 in the general population is lower than expected, suggesting there is little benign variation in this gene and slightly increasing the possibility that a missense variant in this gene may not be tolerated. In summary, the clinical significance of the p.Leu4376Val variant is uncertain. ACMG/AMP Criteria applied: BP4, PP2, PM2_supporting (Richards 2015).

NM_005529.7(HSPG2):c.13126C>G (p.Leu4376Val)

Genes: HSPG2 (heparan sulfate proteoglycan 2; minus strand), LDLRAD2 (low density lipoprotein receptor class A domain containing 2; plus strand). Cytogenetic location: 1p36.12.
Variant type: single nucleotide variant.
Coding change: c.13126C>G on transcript NM_005529.7 (MANE Select); coding-DNA position 13126, C replaced by G.
Protein change: p.Leu4376Val; replaces leucine 4376 with valine.
Molecular consequence: missense variant. On other transcripts: 3 prime UTR variant (1).
Genome position (GRCh38, 1-based): chr1:21,823,366, G>C on the plus strand (C>G on the coding strand, the complement: HSPG2 is on the minus strand). VCF-style: chr1-21823366-G-C. GRCh37 (hg19) VCF-style: chr1-22149859-G-C.
Other names: NM_001291860.2:c.13129C>G; c.13129C>G, p.Leu4377Val (NM_001291860.2); c.*1151G>C (NM_001013693.3); short protein forms L4376V, L4377V.
Identifiers: ClinVar variation 3383326 (VCV003383326.1).